The following is an entry in ClinVar:

NM_018082.6(POLR3B):c.653T>C (p.Val218Ala)

Gene: POLR3B (RNA polymerase III subunit B; plus strand). Cytogenetic location: 12q23.3.
Variant type: single nucleotide variant.
Coding change: c.653T>C on transcript NM_018082.6 (MANE Select); coding-DNA position 653, T replaced by C.
Protein change: p.Val218Ala; replaces valine 218 with alanine.
Molecular consequence: missense variant.
Genome position (GRCh38, 1-based): chr12:106,380,069, T>C. VCF-style: chr12-106380069-T-C. GRCh37 (hg19) VCF-style: chr12-106773847-T-C.
Other names: c.479T>C, p.Val160Ala (NM_001160708.2); short protein forms V160A, V218A.
Identifiers: ClinVar variation 3687991 (VCV003687991.2).

ClinVar aggregate classification (germline): Uncertain significance (1 of 4 stars; one submission).

Submission:

Labcorp Genetics (formerly Invitae), Labcorp
Classification: Uncertain significance. Last evaluated: 2024-08-11. Review status: criteria provided, single submitter. Criteria: Invitae Variant Classification Sherloc (09022015). Collection method: clinical testing. Allele origin: germline.
Comment: This sequence change replaces valine, which is neutral and non-polar, with alanine, which is neutral and non-polar, at codon 218 of the POLR3B protein (p.Val218Ala). This variant is not present in population databases (gnomAD no frequency). This variant has not been reported in the literature in individuals affected with POLR3B-related conditions. Advanced modeling of protein sequence and biophysical properties (such as structural, functional, and spatial information, amino acid conservation, physicochemical variation, residue mobility, and thermodynamic stability) performed at Invitae indicates that this missense variant is not expected to disrupt POLR3B protein function with a negative predictive value of 80%. In summary, the available evidence is currently insufficient to determine the role of this variant in disease. Therefore, it has been classified as a Variant of Uncertain Significance.